The following is an entry in ClinVar:

ClinVar aggregate classification (germline): Uncertain significance. Review status: criteria provided, multiple submitters, no conflicts (2 of 4 stars). 3 submissions from 3 submitters: Uncertain significance (3). Last evaluated 2026-05-08.

Conditions:
Congenital contractural arachnodactyly (CCA). Also called: BEALS SYNDROME; Beals-Hecht syndrome; Arthrogryposis, distal, type 9. Identifiers: Orphanet 115, MedGen C0220668, MONDO:0007363, OMIM 121050.

Allele frequency attached by ClinVar (database versions not stated): ExAC 0.00001; TOPMed 0.00001; gnomAD 0.00002; ESP Exome Variant Server 0.00015; gnomAD exomes 0.00001.
gnomAD v4.1: 20 of 1,614,206 alleles (0.0012%); highest among the groups gnomAD compares: Middle Eastern, 0.016%; no homozygotes.

Submissions (3):

Women's Health and Genetics/Laboratory Corporation of America, LabCorp
Classification: Uncertain significance. Last evaluated: 2026-05-08. Review status: criteria provided, single submitter. Criteria: LabCorp Variant Classification Summary - May 2015. Collection method: clinical testing. Allele origin: germline.

GeneDx
Classification: Uncertain significance. Last evaluated: 2024-12-30. Review status: criteria provided, single submitter. Criteria: GeneDx Variant Classification Process June 2021. Collection method: clinical testing. Allele origin: germline. Affected: yes.
Comment: Has not been previously published as pathogenic or benign to our knowledge; Not observed at significant frequency in large population cohorts (gnomAD); In silico analysis indicates that this missense variant does not alter protein structure/function

Labcorp Genetics (formerly Invitae), Labcorp
Classification: Uncertain significance for Congenital contractural arachnodactyly. Last evaluated: 2024-07-30. Review status: criteria provided, single submitter. Criteria: Invitae Variant Classification Sherloc (09022015). Collection method: clinical testing. Allele origin: germline.
Comment: This sequence change replaces glutamic acid, which is acidic and polar, with lysine, which is basic and polar, at codon 2764 of the FBN2 protein (p.Glu2764Lys). This variant is present in population databases (rs139702446, gnomAD 0.002%). This variant has not been reported in the literature in individuals affected with FBN2-related conditions. ClinVar contains an entry for this variant (Variation ID: 1925157). Advanced modeling of protein sequence and biophysical properties (such as structural, functional, and spatial information, amino acid conservation, physicochemical variation, residue mobility, and thermodynamic stability) performed at Invitae indicates that this missense variant is not expected to disrupt FBN2 protein function with a negative predictive value of 80%. In summary, the available evidence is currently insufficient to determine the role of this variant in disease. Therefore, it has been classified as a Variant of Uncertain Significance.

NM_001999.4(FBN2):c.8290G>A (p.Glu2764Lys)

Gene: FBN2 (fibrillin 2; minus strand). Cytogenetic location: 5q23.3.
Variant type: single nucleotide variant.
Coding change: c.8290G>A on transcript NM_001999.4 (MANE Select); coding-DNA position 8290, G replaced by A.
Protein change: p.Glu2764Lys; replaces glutamic acid 2764 with lysine.
Molecular consequence: missense variant.
Genome position (GRCh38, 1-based): chr5:128,261,810, C>T on the plus strand (G>A on the coding strand, the complement: FBN2 is on the minus strand). VCF-style: chr5-128261810-C-T. GRCh37 (hg19) VCF-style: chr5-127597502-C-T.
Other names: c.8290G>A (NM_001999.3); short protein forms E2764K.
Identifiers: ClinVar variation 1925157 (VCV001925157.7), dbSNP rs139702446, ClinGen allele CA3393859.